The following is an entry in ClinVar:

ClinVar aggregate classification (germline): Uncertain significance (1 of 4 stars; one submission).

Conditions:
TTC21B-related disorder. Also called: TTC21B-related condition; TTC21B-related disorders.

gnomAD v4.1: 4 of 1,613,578 alleles (0.00025%); highest among the groups gnomAD compares: Non-Finnish European, 0.00034%; no homozygotes.

Submission:

PreventionGenetics, part of Exact Sciences
Classification: Uncertain significance for TTC21B-related condition. Last evaluated: 2025-11-05. Review status: criteria provided, single submitter. Criteria: ACMG Guidelines, 2015. Collection method: clinical testing. Allele origin: germline.
Comment: The TTC21B c.509A>T variant is predicted to result in the amino acid substitution p.Glu170Val. To our knowledge, this variant has not been reported in the literature. This variant is reported in 0.00088% of alleles in individuals of European (Non-Finnish) descent in gnomAD. At this time, the clinical significance of this variant is uncertain due to the absence of conclusive functional and genetic evidence.

NM_024753.5(TTC21B):c.509A>T (p.Glu170Val)

Genes: TTC21B (tetratricopeptide repeat domain 21B; minus strand), TTC21B-AS1 (TTC21B antisense RNA 1; plus strand). Cytogenetic location: 2q24.3.
Variant type: single nucleotide variant.
Coding change: c.509A>T on transcript NM_024753.5 (MANE Select); coding-DNA position 509, A replaced by T.
Protein change: p.Glu170Val; replaces glutamic acid 170 with valine.
Molecular consequence: missense variant.
Genome position (GRCh38, 1-based): chr2:165,943,262, T>A on the plus strand (A>T on the coding strand, the complement: TTC21B is on the minus strand). VCF-style: chr2-165943262-T-A. GRCh37 (hg19) VCF-style: chr2-166799772-T-A.
Other names: short protein forms E170V.
Identifiers: ClinVar variation 4992633 (VCV004992633.1).
Genomic context (GRCh38, chr2:165,943,262, plus strand): 5'-CCCTAACTCCAACTCACCTTACCCAGCAGAGCAAAAGTATCATTCCCATCTTGGAGTCCC[T>A]CTTCAAAATACTTCAGTGCTTTTTTAGTGTAAGGCTCTTTTCCTCTTGTAATATCAAGCC-3'
Protein context (NP_079029.3, residues 160-180): YTKKALKYFE[Glu170Val]GLQDGNDTFA